The following is an entry in ClinVar:

ClinVar aggregate classification (germline): Likely benign (0 of 4 stars; one submission).

Conditions:
FLNA-related disorder.

Allele frequency attached by ClinVar (database versions not stated): gnomAD exomes below 0.00001; gnomAD 0.00001.

Submission:

PreventionGenetics, part of Exact Sciences
Classification: Likely benign for FLNA-related condition. Last evaluated: 2024-01-08. Review status: no assertion criteria provided. Collection method: clinical testing. Allele origin: germline.
Comment: This variant is classified as likely benign based on ACMG/AMP sequence variant interpretation guidelines (Richards et al. 2015 PMID: 25741868, with internal and published modifications).

NM_001110556.2(FLNA):c.996G>A (p.Val332=)

Gene: FLNA (filamin A; minus strand). Cytogenetic location: Xq28.
Variant type: single nucleotide variant.
Coding change: c.996G>A on transcript NM_001110556.2 (MANE Select); coding-DNA position 996, G replaced by A.
Protein change: p.Val332=; no amino-acid change (valine 332 retained).
Molecular consequence: synonymous variant.
Genome position (GRCh38, 1-based): chrX:154,366,631, C>T on the plus strand (G>A on the coding strand, the complement: FLNA is on the minus strand). VCF-style: chrX-154366631-C-T. GRCh37 (hg19) VCF-style: chrX-153594999-C-T.
Other names: c.996G>A, p.Val332= (NM_001456.4).
Identifiers: ClinVar variation 3030544 (VCV003030544.2), dbSNP rs1557179359, ClinGen allele CA519709819.